The following is an entry in ClinVar:

ClinVar aggregate classification (germline): Uncertain significance. Review status: criteria provided, multiple submitters, no conflicts (2 of 4 stars). 2 submissions from 2 submitters: Uncertain significance (2). Last evaluated 2024-07-06.

Conditions:
Long QT syndrome 13 (LQT13). Identifiers: Orphanet 101016, Orphanet 768, MedGen C3150733, MONDO:0013279, OMIM 613485.
Familial hyperaldosteronism type III. Also called: Familial hyperaldosteronism type 3; FH III. Identifiers: Orphanet 251274, MedGen C3838758, MONDO:0013359, OMIM 613677.
Cardiovascular phenotype. Identifiers: MedGen CN230736.

gnomAD v4.1: 2 of 1,613,964 alleles (0.00012%); highest among the groups gnomAD compares: South Asian, 0.0022%; no homozygotes.

Submissions (2):

Ambry Genetics
Classification: Uncertain significance for Cardiovascular phenotype. Last evaluated: 2024-07-06. Review status: criteria provided, single submitter. Criteria: Ambry Variant Classification Scheme 2023. Collection method: clinical testing. Allele origin: germline.
Comment: The p.S382R variant (also known as c.1146C>G), located in coding exon 2 of the KCNJ5 gene, results from a C to G substitution at nucleotide position 1146. The serine at codon 382 is replaced by arginine, an amino acid with dissimilar properties. This amino acid position is not well conserved in available vertebrate species. In addition, this alteration is predicted to be tolerated by in silico analysis. Based on the available evidence, the clinical significance of this variant remains unclear.

Fulgent Genetics
Classification: Uncertain significance for Long QT syndrome 13; Familial hyperaldosteronism type III. Last evaluated: 2024-01-30. Review status: criteria provided, single submitter. Criteria: ACMG Guidelines, 2015. Collection method: clinical testing. Allele origin: germline.

NM_000890.5(KCNJ5):c.1146C>G (p.Ser382Arg)

Gene: KCNJ5 (potassium inwardly rectifying channel subfamily J member 5; plus strand). Cytogenetic location: 11q24.3.
Variant type: single nucleotide variant.
Coding change: c.1146C>G on transcript NM_000890.5 (MANE Select); coding-DNA position 1146, C replaced by G.
Protein change: p.Ser382Arg; replaces serine 382 with arginine.
Molecular consequence: missense variant.
Genome position (GRCh38, 1-based): chr11:128,916,617, C>G. VCF-style: chr11-128916617-C-G. GRCh37 (hg19) VCF-style: chr11-128786512-C-G.
Other names: c.1146C>G, p.Ser382Arg (NM_001354169.2); short protein forms S382R.
Identifiers: ClinVar variation 3532478 (VCV003532478.2).